The following is an entry in ClinVar:

NM_002834.5(PTPN11):c.1098A>G (p.Lys366=)

Gene: PTPN11 (protein tyrosine phosphatase non-receptor type 11; plus strand). Cytogenetic location: 12q24.13.
Variant type: single nucleotide variant.
Coding change: c.1098A>G on transcript NM_002834.5 (MANE Select); coding-DNA position 1098, A replaced by G.
Protein change: p.Lys366=; no amino-acid change (lysine 366 retained).
Molecular consequence: synonymous variant.
Genome position (GRCh38, 1-based): chr12:112,482,079, A>G. VCF-style: chr12-112482079-A-G. GRCh37 (hg19) VCF-style: chr12-112919883-A-G.
Other names: c.1098A>G, p.Lys366= (NM_001330437.2, NM_080601.3); c.1095A>G, p.Lys365= (NM_001374625.1).
Identifiers: ClinVar variation 1407577 (VCV001407577.29), dbSNP rs2135906673, ClinGen allele CA481880151.

ClinVar aggregate classification (germline): Likely benign. Review status: criteria provided, multiple submitters, no conflicts (2 of 4 stars). 2 submissions from 2 submitters: Likely benign (2). Last evaluated 2023-12-07.

Conditions:
RASopathy. Also called: rasopathies; Noonan spectrum disorder. Identifiers: Orphanet 536391, MedGen C5555857, MONDO:0021060.

Submissions (2):

Labcorp Genetics (formerly Invitae), Labcorp
Classification: Likely benign for RASopathy. Last evaluated: 2023-12-07. Review status: criteria provided, single submitter. Criteria: Invitae Variant Classification Sherloc (09022015). Collection method: clinical testing. Allele origin: germline.

CeGaT Center for Human Genetics Tuebingen
Classification: Likely benign. Last evaluated: 2022-06-01. Review status: criteria provided, single submitter. Criteria: CeGaT Center For Human Genetics Tuebingen Variant Classification Criteria Version 2. Collection method: clinical testing. Allele origin: germline. Affected: yes. Observed: 1 variant allele.
Comment: PTPN11: PM2:Supporting, BP4, BP7